The following is an entry in ClinVar:

ClinVar aggregate classification (germline): Uncertain significance. Review status: criteria provided, single submitter (1 of 4 stars). 2 submissions from 2 submitters: Uncertain significance (1). 1 of the submissions does not count toward it. Last evaluated 2021-10-26.

Conditions:
Inborn genetic diseases. Identifiers: MedGen C0950123, MeSH D030342.
PADI3-related disorder. Also called: PADI3-related condition.

Allele frequency attached by ClinVar (database versions not stated): 1000 Genomes Project 30x 0.00109; 1000 Genomes Project 0.00120; TOPMed 0.00158; ESP Exome Variant Server 0.00161; gnomAD 0.00200; ExAC 0.00233.
gnomAD v4.1: 4,030 of 1,614,088 alleles (0.25%); highest among the groups gnomAD compares: Non-Finnish European, 0.29%; 11 homozygotes.

Submissions (2):

Ambry Genetics
Classification: Uncertain significance for Inborn genetic diseases. Last evaluated: 2021-10-26. Review status: criteria provided, single submitter. Criteria: Ambry Variant Classification Scheme 2023. Collection method: clinical testing. Allele origin: germline.

PreventionGenetics, part of Exact Sciences
Classification: Likely benign for PADI3-related condition. Last evaluated: 2020-03-03. Review status: no assertion criteria provided. Collection method: clinical testing. Allele origin: germline. Not counted in ClinVar's aggregate classification.
Comment: This variant is classified as likely benign based on ACMG/AMP sequence variant interpretation guidelines (Richards et al. 2015 PMID: 25741868, with internal and published modifications).

NM_016233.2(PADI3):c.1369C>T (p.Pro457Ser)

Gene: PADI3 (peptidyl arginine deiminase 3; plus strand). Cytogenetic location: 1p36.13.
Variant type: single nucleotide variant.
Coding change: c.1369C>T on transcript NM_016233.2 (MANE Select); coding-DNA position 1369, C replaced by T.
Protein change: p.Pro457Ser; replaces proline 457 with serine.
Molecular consequence: missense variant.
Genome position (GRCh38, 1-based): chr1:17,276,580, C>T. VCF-style: chr1-17276580-C-T. GRCh37 (hg19) VCF-style: chr1-17603075-C-T.
Other names: short protein forms P457S.
Identifiers: ClinVar variation 2401383 (VCV002401383.4), dbSNP rs148039282, ClinGen allele CA640070.